The following is an entry in ClinVar:

ClinVar aggregate classification (germline): Uncertain significance (1 of 4 stars; one submission).

Conditions:
Aortic valve disease 2 (AOVD2). Identifiers: MedGen C3542024, MONDO:0013902, OMIM 614823.

Submission:

Labcorp Genetics (formerly Invitae), Labcorp
Classification: Uncertain significance for Aortic valve disease 2. Last evaluated: 2022-12-28. Review status: criteria provided, single submitter. Criteria: Invitae Variant Classification Sherloc (09022015). Collection method: clinical testing. Allele origin: germline.
Comment: In summary, the available evidence is currently insufficient to determine the role of this variant in disease. Therefore, it has been classified as a Variant of Uncertain Significance. Variants that disrupt the consensus splice site are a relatively common cause of aberrant splicing (PMID: 17576681, 9536098). Algorithms developed to predict the effect of sequence changes on RNA splicing suggest that this variant may disrupt the consensus splice site. Algorithms developed to predict the effect of missense changes on protein structure and function (SIFT, PolyPhen-2, Align-GVGD) all suggest that this variant is likely to be tolerated. This missense change has been observed in individual(s) with Holt-Oram syndrome (Invitae). This variant is not present in population databases (gnomAD no frequency). This sequence change replaces arginine, which is basic and polar, with lysine, which is basic and polar, at codon 81 of the TBX5 protein (p.Arg81Lys). This variant also falls at the last nucleotide of exon 3, which is part of the consensus splice site for this exon.

Literature cited by the submitters: PubMed 17576681; PubMed 9536098.

NM_181486.4(TBX5):c.242G>A (p.Arg81Lys)

Gene: TBX5 (T-box transcription factor 5; minus strand). Cytogenetic location: 12q24.21.
Variant type: single nucleotide variant.
Coding change: c.242G>A on transcript NM_181486.4 (MANE Select); coding-DNA position 242, G replaced by A.
Protein change: p.Arg81Lys; replaces arginine 81 with lysine.
Molecular consequence: missense variant.
Genome position (GRCh38, 1-based): chr12:114,401,826, C>T on the plus strand (G>A on the coding strand, the complement: TBX5 is on the minus strand). VCF-style: chr12-114401826-C-T. GRCh37 (hg19) VCF-style: chr12-114839631-C-T.
Other names: c.242G>A, p.Arg81Lys (NM_000192.3); c.92G>A, p.Arg31Lys (NM_080717.4); short protein forms R81K, R31K.
Identifiers: ClinVar variation 2824603 (VCV002824603.3), dbSNP rs2540475204, ClinGen allele CA386862959.